The following is an entry in ClinVar:

NM_014141.6(CNTNAP2):c.3983_*2del (p.Glu1328fs)

Gene: CNTNAP2 (contactin associated protein 2; plus strand). Cytogenetic location: 7q36.1.
Variant type: Deletion.
Coding change: c.3983_*2del on transcript NM_014141.6 (MANE Select); coding-DNA position 3983 through 2 bases downstream of the stop codon, 16 bases deleted (AATGGCTCATTTGAGG).
Protein change: p.Glu1328fs; shifts the reading frame from glutamic acid 1328.
Molecular consequence: frameshift variant.
Genome position (GRCh38, 1-based): chr7:148,415,603-148,415,618, AATGGCTCATTTGAGG deleted; deleting any 16 consecutive bases within chr7:148,415,600-148,415,618 gives the same sequence; the c. name uses the placement nearest the transcript's 3' end. VCF-style (leftmost placement, unchanged base first): chr7-148415599-AAGGAATGGCTCATTTG-A. GRCh37 (hg19) VCF-style: chr7-148112691-AAGGAATGGCTCATTTG-A.
Other names: short protein forms E1328fs.
Identifiers: ClinVar variation 1008000 (VCV001008000.9), dbSNP rs1799967583, ClinGen allele CA1751242130.

ClinVar aggregate classification (germline): Uncertain significance (1 of 4 stars; one submission).

Conditions:
Cortical dysplasia-focal epilepsy syndrome (PTHSL1). Also called: Pitt-Hopkins-like syndrome 1. Identifiers: Orphanet 163681, Orphanet 221150, MedGen C2750246, MONDO:0012400, OMIM 610042.

Submission:

Labcorp Genetics (formerly Invitae), Labcorp
Classification: Uncertain significance for Cortical dysplasia-focal epilepsy syndrome. Last evaluated: 2019-01-31. Review status: criteria provided, single submitter. Criteria: Invitae Variant Classification Sherloc (09022015). Collection method: clinical testing. Allele origin: germline.
Comment: Experimental studies and prediction algorithms are not available for this variant, and the functional significance of the affected amino acid(s) is currently unknown. In at least one individual the data is consistent with the variant being in trans (on the opposite chromosome) from a pathogenic variant. This variant is not present in population databases (ExAC no frequency). This sequence change results in a frameshift in the CNTNAP2 gene (p.Glu1328Glyfs*51). While this is not anticipated to result in nonsense mediated decay, it is expected to disrupt the last 4 amino acids of the CNTNAP2 protein and extend the protein by an additional 50 amino acids. In summary, the available evidence is currently insufficient to determine the role of this variant in disease. Therefore, it has been classified as a Variant of Uncertain Significance.